The following is an entry in ClinVar:

ClinVar aggregate classification (germline): Uncertain significance (1 of 4 stars; one submission).

Submission:

GeneDx
Classification: Uncertain significance. Last evaluated: 2024-02-23. Review status: criteria provided, single submitter. Criteria: GeneDx Variant Classification Process June 2021. Collection method: clinical testing. Allele origin: germline. Affected: yes.
Comment: Not observed at significant frequency in large population cohorts (gnomAD); In silico analysis supports that this missense variant does not alter protein structure/function; Has not been previously published as pathogenic or benign to our knowledge

NM_001415.4(EIF2S3):c.344C>T (p.Thr115Met)

Gene: EIF2S3 (eukaryotic translation initiation factor 2 subunit gamma; plus strand). Cytogenetic location: Xp22.11.
Variant type: single nucleotide variant.
Coding change: c.344C>T on transcript NM_001415.4 (MANE Select); coding-DNA position 344, C replaced by T.
Protein change: p.Thr115Met; replaces threonine 115 with methionine.
Molecular consequence: missense variant.
Genome position (GRCh38, 1-based): chrX:24,057,715, C>T. VCF-style: chrX-24057715-C-T. GRCh37 (hg19) VCF-style: chrX-24075832-C-T.
Other names: short protein forms T115M.
Identifiers: ClinVar variation 3369671 (VCV003369671.1).